The following is an entry in ClinVar:

ClinVar aggregate classification (germline): Pathogenic (1 of 4 stars; one submission).

Conditions:
Baller-Gerold syndrome (BGS). Also called: CRANIOSYNOSTOSIS WITH RADIAL DEFECTS. Identifiers: Orphanet 1225, MedGen C0265308, MONDO:0009039, OMIM 218600.

Submission:

Labcorp Genetics (formerly Invitae), Labcorp
Classification: Pathogenic for Baller-Gerold syndrome. Last evaluated: 2022-06-02. Review status: criteria provided, single submitter. Criteria: Invitae Variant Classification Sherloc (09022015). Collection method: clinical testing. Allele origin: germline.
Comment: This sequence change creates a premature translational stop signal (p.Asp808Alafs*74) in the RECQL4 gene. It is expected to result in an absent or disrupted protein product. Loss-of-function variants in RECQL4 are known to be pathogenic (PMID: 12734318, 12952869). This variant is not present in population databases (gnomAD no frequency). This variant has not been reported in the literature in individuals affected with RECQL4-related conditions. For these reasons, this variant has been classified as Pathogenic.

Literature cited by the submitters: PubMed 12734318; PubMed 12952869.

NM_004260.4(RECQL4):c.2421_2425del (p.Asp808fs)

Gene: RECQL4 (RecQ like helicase 4; minus strand). Cytogenetic location: 8q24.3.
Variant type: Deletion.
Coding change: c.2421_2425del on transcript NM_004260.4 (MANE Select); coding-DNA positions 2421 to 2425, 5 bases deleted (TGACG; older notation c.2421_2425delTGACG).
Protein change: p.Asp808fs; shifts the reading frame from aspartic acid 808.
Molecular consequence: frameshift variant.
Genome position (GRCh38, 1-based): chr8:144,513,256-144,513,260, CGTCA deleted on the plus strand (TGACG on the coding strand, the reverse complement: RECQL4 is on the minus strand); deleting any 5 consecutive bases within chr8:144,513,256-144,513,262 gives the same sequence; the c. name uses the placement nearest the transcript's 3' end. VCF-style (leftmost placement, unchanged base first): chr8-144513255-CCGTCA-C. GRCh37 (hg19) VCF-style: chr8-145738638-CCGTCA-C.
Other names: c.2419_2423delCGTGA, p.Asp808Alafs (NM_001413019.1, NM_001413036.1); c.2323_2327delCGTGA, p.Asp776Alafs (NM_001413020.1); c.1348_1352delCGTGA, p.Asp451Alafs (NM_001413021.1, NM_001413022.1, NM_001413023.1 and 5 more transcripts); c.2290_2294delCGTGA, p.Asp765Alafs (NM_001413025.1); c.1282_1286delCGTGA, p.Asp429Alafs (NM_001413027.1, NM_001413030.1, NM_001413032.1 and 1 more transcripts); c.2068_2072delCGTGA, p.Asp691Alafs (NM_001413029.1); c.1150_1154delCGTGA, p.Asp385Alafs (NM_001413031.1); c.2287_2291delCGTGA, p.Asp764Alafs (NM_001413033.1); and 4 more; short protein forms D808fs.
Identifiers: ClinVar variation 1977888 (VCV001977888.5), dbSNP rs2538007835, ClinGen allele CA2580078716.